The following is an entry in ClinVar:

NM_001792.5(CDH2):c.1504A>C (p.Lys502Gln)

Gene: CDH2 (cadherin 2; minus strand). Cytogenetic location: 18q12.1.
Variant type: single nucleotide variant.
Coding change: c.1504A>C on transcript NM_001792.5 (MANE Select); coding-DNA position 1504, A replaced by C.
Protein change: p.Lys502Gln; replaces lysine 502 with glutamine.
Molecular consequence: missense variant.
Genome position (GRCh38, 1-based): chr18:27,990,191, T>G on the plus strand (A>C on the coding strand, the complement: CDH2 is on the minus strand). VCF-style: chr18-27990191-T-G. GRCh37 (hg19) VCF-style: chr18-25570155-T-G.
Other names: c.1411A>C, p.Lys471Gln (NM_001308176.2); short protein forms K471Q, K502Q.
Identifiers: ClinVar variation 3367333 (VCV003367333.1).

ClinVar aggregate classification (germline): Uncertain significance (1 of 4 stars; one submission).

Submission:

GeneDx
Classification: Uncertain significance. Last evaluated: 2023-12-27. Review status: criteria provided, single submitter. Criteria: GeneDx Variant Classification Process June 2021. Collection method: clinical testing. Allele origin: germline. Affected: yes.
Comment: Not observed at significant frequency in large population cohorts (gnomAD); In silico analysis supports that this missense variant has a deleterious effect on protein structure/function; In silico analysis suggests this variant may impact gene splicing. In the absence of RNA/functional studies, the actual effect of this sequence change is unknown.; Has not been previously published as pathogenic or benign to our knowledge